The following is an entry in ClinVar:

NM_001164508.2(NEB):c.3488A>C (p.His1163Pro)

Gene: NEB (nebulin; minus strand). Cytogenetic location: 2q23.3.
Variant type: single nucleotide variant.
Coding change: c.3488A>C on transcript NM_001164508.2 (MANE Select); coding-DNA position 3488, A replaced by C.
Protein change: p.His1163Pro; replaces histidine 1163 with proline.
Molecular consequence: missense variant.
Genome position (GRCh38, 1-based): chr2:151,677,955, T>G on the plus strand (A>C on the coding strand, the complement: NEB is on the minus strand). VCF-style: chr2-151677955-T-G. GRCh37 (hg19) VCF-style: chr2-152534469-T-G.
Other names: c.3488A>C, p.His1163Pro (NM_001164507.2, NM_001271208.2, NM_004543.5); short protein forms H1163P.
Identifiers: ClinVar variation 1697025 (VCV001697025.2), dbSNP rs199822924, ClinGen allele CA348818999.

ClinVar aggregate classification (germline): Uncertain significance (1 of 4 stars; one submission).

Submission:

GeneDx
Classification: Uncertain significance. Last evaluated: 2022-01-15. Review status: criteria provided, single submitter. Criteria: GeneDx Variant Classification Process June 2021. Collection method: clinical testing. Allele origin: germline. Affected: yes.
Comment: Not observed at significant frequency in large population cohorts (gnomAD); In silico analysis supports that this missense variant has a deleterious effect on protein structure/function; Has not been previously published as pathogenic or benign to our knowledge